The following is an entry in ClinVar:

NM_000384.3(APOB):c.9321C>G (p.Asn3107Lys)

Gene: APOB (apolipoprotein B; minus strand). Cytogenetic location: 2p24.1.
Variant type: single nucleotide variant.
Coding change: c.9321C>G on transcript NM_000384.3 (MANE Select); coding-DNA position 9321, C replaced by G.
Protein change: p.Asn3107Lys; replaces asparagine 3107 with lysine.
Molecular consequence: missense variant.
Genome position (GRCh38, 1-based): chr2:21,007,547, G>C on the plus strand (C>G on the coding strand, the complement: APOB is on the minus strand). VCF-style: chr2-21007547-G-C. GRCh37 (hg19) VCF-style: chr2-21230419-G-C.
Other names: short protein forms N3107K.
Identifiers: ClinVar variation 3415324 (VCV003415324.4).

ClinVar aggregate classification (germline): Conflicting classifications of pathogenicity. Review status: criteria provided, conflicting classifications (1 of 4 stars). 3 submissions from 3 submitters: Uncertain significance (2); Likely benign (1). Last evaluated 2024-11-22.

Conditions:
Cardiovascular phenotype. Identifiers: MedGen CN230736.
Familial hypobetalipoproteinemia 1. Also called: Hypobetalipoproteinemia, normotriglyceridemic; Acanthocytosis with hypobetalipoproteinemia; APOB-Related Familial Hypobetalipoproteinemia. Identifiers: MedGen C4551990, MONDO:0014252, OMIM 615558.
Hypercholesterolemia, autosomal dominant, type B (FHCL2). Also called: Familial hypercholesterolemia 2; Familial Hypercholesterolemia Type B; APOLIPOPROTEIN B-100, FAMILIAL DEFECTIVE; APOLIPOPROTEIN B-100, FAMILIAL LIGAND-DEFECTIVE; HYPERCHOLESTEROLEMIA, FAMILIAL, DUE TO LIGAND-DEFECTIVE APOLIPOPROTEIN B; Hyperlipoproteinemia Type IIb. Identifiers: MedGen C1704417, MONDO:0007751, OMIM 144010.

gnomAD v4.1: 5 of 1,613,886 alleles (0.00031%); highest among the groups gnomAD compares: African/African-American, 0.0067%; no homozygotes.

Submissions (3):

GeneDx
Classification: Uncertain significance. Last evaluated: 2024-11-22. Review status: criteria provided, single submitter. Criteria: GeneDx Variant Classification Process June 2021. Collection method: clinical testing. Allele origin: germline. Affected: yes.
Comment: Not observed at significant frequency in large population cohorts (gnomAD); In silico analysis supports that this missense variant has a deleterious effect on protein structure/function; Has not been previously published as pathogenic or benign to our knowledge

Ambry Genetics
Classification: Uncertain significance for Cardiovascular phenotype. Last evaluated: 2024-10-30. Review status: criteria provided, single submitter. Criteria: Ambry Variant Classification Scheme 2023. Collection method: clinical testing. Allele origin: germline.
Comment: The p.N3107K variant (also known as c.9321C>G), located in coding exon 26 of the APOB gene, results from a C to G substitution at nucleotide position 9321. The asparagine at codon 3107 is replaced by lysine, an amino acid with similar properties. This variant has been observed in at least one individual with a personal and/or family history that is consistent with familial hypercholesterolemia (Ambry internal data). This amino acid position is well conserved in available vertebrate species. In addition, this alteration is predicted to be tolerated by in silico analysis. Based on the available evidence, the clinical significance of this variant remains unclear for autosomal dominant APOB-related familial hypercholesterolemia; however, it is unlikely to be causative of autosomal recessive APOB-related hypobetalipoproteinemia.

Labcorp Genetics (formerly Invitae), Labcorp
Classification: Likely benign for Familial hypobetalipoproteinemia 1; Hypercholesterolemia, autosomal dominant, type B. Last evaluated: 2024-10-29. Review status: criteria provided, single submitter. Criteria: Invitae Variant Classification Sherloc (09022015). Collection method: clinical testing. Allele origin: germline.